The following is an entry in ClinVar:

ClinVar aggregate classification (germline): Pathogenic/Likely pathogenic. Review status: criteria provided, multiple submitters, no conflicts (2 of 4 stars). 3 submissions from 3 submitters: Pathogenic (2); Likely pathogenic (1). Last evaluated 2025-03-31.

Conditions:
Muscle eye brain disease (MEB). Also called: Santavuori congenital muscular dystrophy. Identifiers: Orphanet 588, Orphanet 899, MedGen C0457133, MONDO:0018939.
Muscular dystrophy-dystroglycanopathy (congenital with brain and eye anomalies), type A3. Also called: Congenital muscular dystrophy-dystroglycanopathy with brain and eye anomalies, type A3; WALKER-WARBURG SYNDROME OR MUSCLE-EYE-BRAIN DISEASE, POMGNT1-RELATED; Muscular dystrophy-dystroglycanopathy (congenital with brain and eye anomalies), type A, 3. Identifiers: MedGen C3151519, MONDO:0009667, OMIM 253280.
Autosomal recessive limb-girdle muscular dystrophy type 2O. Also called: Limb-Girdle Muscular Dystrophy Type 3C; MUSCULAR DYSTROPHY-DYSTROGLYCANOPATHY (LIMB-GIRDLE), TYPE C, 3; MUSCULAR DYSTROPHY-DYSTROGLYCANOPATHY, LIMB-GIRDLE, POMGNT1-RELATED. Identifiers: Orphanet 206564, MedGen C3150417, MONDO:0013161, OMIM 613157.
Muscular dystrophy-dystroglycanopathy (congenital with impaired intellectual development), type B, 3. Also called: Muscular dystrophy-dystroglycanopathy (congenital with intellectual disability), type B3; MUSCULAR DYSTROPHY, CONGENITAL, POMGNT1-RELATED. Identifiers: MedGen C3150412, MONDO:0013155, OMIM 613151.
Retinitis pigmentosa 76 (RP76). Identifiers: MedGen C4310704, MONDO:0014929, OMIM 617123.

Allele frequency attached by ClinVar (database versions not stated): gnomAD exomes below 0.00001.
gnomAD v4.1: 2 of 1,605,596 alleles (0.00012%); highest among the groups gnomAD compares: Middle Eastern, 0.033%; no homozygotes.

Submissions (3):

Natera, Inc.
Classification: Likely pathogenic for Muscle-eye-brain disease. Last evaluated: 2025-03-31. Review status: criteria provided, single submitter. Criteria: Natera Variant Classification Schema (03/2026). Collection method: clinical testing. Allele origin: germline.
Comment: The c.1609A>T variant in POMGNT1 is a nonsense variant predicted to introduce a stop codon at amino acid 537. This variant is expected to result in nonsense mediated decay, truncation, or a dysfunctional protein product. This variant is rare in the general population with a frequency below the threshold expected for the associated phenotype(s). Given the available evidence, this variant is classified as Likely Pathogenic.

Baylor Genetics
Classification: Pathogenic for Muscular dystrophy-dystroglycanopathy (congenital with brain and eye anomalies), type A3. Last evaluated: 2023-03-09. Review status: criteria provided, single submitter. Criteria: ACMG Guidelines, 2015. Collection method: clinical testing. Allele origin: unknown.

Labcorp Genetics (formerly Invitae), Labcorp
Classification: Pathogenic for Autosomal recessive limb-girdle muscular dystrophy type 2O; Muscular dystrophy-dystroglycanopathy (congenital with impaired intellectual development), type B, 3. Last evaluated: 2022-10-03. Review status: criteria provided, single submitter. Criteria: Invitae Variant Classification Sherloc (09022015). Collection method: clinical testing. Allele origin: germline.
Comment: This sequence change creates a premature translational stop signal (p.Lys537*) in the POMGNT1 gene. It is expected to result in an absent or disrupted protein product. Loss-of-function variants in POMGNT1 are known to be pathogenic (PMID: 19299310, 20816175, 21447391, 26908613, 27391550). For these reasons, this variant has been classified as Pathogenic. Algorithms developed to predict the effect of sequence changes on RNA splicing suggest that this variant may disrupt the consensus splice site. This variant has not been reported in the literature in individuals affected with POMGNT1-related conditions. This variant is not present in population databases (gnomAD no frequency).

Literature cited by the submitters: PubMed 19299310 (cited by Labcorp Genetics (formerly Invitae), Labcorp); PubMed 20816175 (cited by Labcorp Genetics (formerly Invitae), Labcorp); PubMed 21447391 (cited by Labcorp Genetics (formerly Invitae), Labcorp); PubMed 26908613 (cited by Labcorp Genetics (formerly Invitae), Labcorp); PubMed 27391550 (cited by Labcorp Genetics (formerly Invitae), Labcorp).

NM_017739.4(POMGNT1):c.1609A>T (p.Lys537Ter)

Genes: TSPAN1 (tetraspanin 1; plus strand), POMGNT1 (protein O-linked mannose N-acetylglucosaminyltransferase 1 (beta 1,2-); minus strand). Cytogenetic location: 1p34.1.
Variant type: single nucleotide variant.
Coding change: c.1609A>T on transcript NM_017739.4 (MANE Select); coding-DNA position 1609, A replaced by T.
Protein change: p.Lys537Ter; replaces lysine 537 with a stop codon.
Molecular consequence: nonsense.
Genome position (GRCh38, 1-based): chr1:46,190,513, T>A on the plus strand (A>T on the coding strand, the complement: POMGNT1 is on the minus strand). VCF-style: chr1-46190513-T-A. GRCh37 (hg19) VCF-style: chr1-46656185-T-A.
Other names: c.1609A>T (NM_017739.3); c.1609A>T, p.Lys537Ter (NM_001243766.2, NM_001410783.1); c.1543A>T, p.Lys515Ter (NM_001290129.3); c.1180A>T, p.Lys394Ter (NM_001290130.2); short protein forms K394*, K515*, K537*.
Identifiers: ClinVar variation 2158255 (VCV002158255.7), dbSNP rs2525355533, ClinGen allele CA340171842.